The following is an entry in ClinVar:

NM_212482.4(FN1):c.6655G>A (p.Asp2219Asn)

Gene: FN1 (fibronectin 1; minus strand). Cytogenetic location: 2q35.
Variant type: single nucleotide variant.
Coding change: c.6655G>A on transcript NM_212482.4 (MANE Select); coding-DNA position 6655, G replaced by A.
Protein change: p.Asp2219Asn; replaces aspartic acid 2219 with asparagine.
Molecular consequence: missense variant.
Genome position (GRCh38, 1-based): chr2:215,371,968, C>T on the plus strand (G>A on the coding strand, the complement: FN1 is on the minus strand). VCF-style: chr2-215371968-C-T. GRCh37 (hg19) VCF-style: chr2-216236691-C-T.
Other names: c.6562G>A, p.Asp2188Asn (NM_001306129.2); c.6025G>A, p.Asp2009Asn (NM_001306130.2); c.6019G>A, p.Asp2007Asn (NM_001306131.2); c.5944G>A, p.Asp1982Asn (NM_001306132.2); c.6385G>A, p.Asp2129Asn (NM_001365517.2); c.6382G>A, p.Asp2128Asn (NM_001365518.2); c.6310G>A, p.Asp2104Asn (NM_001365519.2); c.6307G>A, p.Asp2103Asn (NM_001365520.2); and 8 more; short protein forms D1982N, D2103N, D2188N, D2013N, D2038N, D2098N, D2007N, D2008N.
Identifiers: ClinVar variation 1442785 (VCV001442785.6), dbSNP rs1240774793, ClinGen allele CA350465873.

ClinVar aggregate classification (germline): Uncertain significance (1 of 4 stars; one submission).

Allele frequency attached by ClinVar (database versions not stated): TOPMed below 0.00001; gnomAD 0.00001.
gnomAD v4.1: 1 of 1,614,076 alleles (0.000062%); highest among the groups gnomAD compares: African/African-American, 0.0013%; no homozygotes.

Submission:

Labcorp Genetics (formerly Invitae), Labcorp
Classification: Uncertain significance. Last evaluated: 2022-07-18. Review status: criteria provided, single submitter. Criteria: Invitae Variant Classification Sherloc (09022015). Collection method: clinical testing. Allele origin: germline.
Comment: In summary, the available evidence is currently insufficient to determine the role of this variant in disease. Therefore, it has been classified as a Variant of Uncertain Significance. Algorithms developed to predict the effect of missense changes on protein structure and function are either unavailable or do not agree on the potential impact of this missense change (SIFT: "Not Available"; PolyPhen-2: "Benign"; Align-GVGD: "Not Available"). ClinVar contains an entry for this variant (Variation ID: 1442785). This variant has not been reported in the literature in individuals affected with FN1-related conditions. This variant is not present in population databases (gnomAD no frequency). This sequence change replaces aspartic acid, which is acidic and polar, with asparagine, which is neutral and polar, at codon 2219 of the FN1 protein (p.Asp2219Asn).